The following is an entry in ClinVar:

ClinVar aggregate classification (germline): Uncertain significance (1 of 4 stars; one submission).

gnomAD v4.1: 1 of 1,613,978 alleles (0.000062%); highest among the groups gnomAD compares: South Asian, 0.0011%; no homozygotes.

Submission:

Labcorp Genetics (formerly Invitae), Labcorp
Classification: Uncertain significance. Last evaluated: 2023-02-01. Review status: criteria provided, single submitter. Criteria: Invitae Variant Classification Sherloc (09022015). Collection method: clinical testing. Allele origin: germline.
Comment: This variant has not been reported in the literature in individuals affected with FREM1-related conditions. This sequence change replaces glutamine, which is neutral and polar, with histidine, which is basic and polar, at codon 1548 of the FREM1 protein (p.Gln1548His). This variant is not present in population databases (gnomAD no frequency). Advanced modeling of protein sequence and biophysical properties (such as structural, functional, and spatial information, amino acid conservation, physicochemical variation, residue mobility, and thermodynamic stability) performed at Invitae indicates that this missense variant is not expected to disrupt FREM1 protein function. In summary, the available evidence is currently insufficient to determine the role of this variant in disease. Therefore, it has been classified as a Variant of Uncertain Significance.

NM_001379081.2(FREM1):c.4644G>C (p.Gln1548His)

Gene: FREM1 (FRAS1 related extracellular matrix 1; minus strand). Cytogenetic location: 9p22.3.
Variant type: single nucleotide variant.
Coding change: c.4644G>C on transcript NM_001379081.2 (MANE Select); coding-DNA position 4644, G replaced by C.
Protein change: p.Gln1548His; replaces glutamine 1548 with histidine.
Molecular consequence: missense variant. On other transcripts: non-coding transcript variant (2).
Genome position (GRCh38, 1-based): chr9:14,776,002, C>G on the plus strand (G>C on the coding strand, the complement: FREM1 is on the minus strand). VCF-style: chr9-14776002-C-G. GRCh37 (hg19) VCF-style: chr9-14776000-C-G.
Other names: c.252G>C, p.Gln84His (NM_001177704.3, NM_001370058.2, NM_001370061.2); c.4644G>C, p.Gln1548His (NM_144966.7); short protein forms Q84H, Q1548H.
Identifiers: ClinVar variation 2877138 (VCV002877138.3), dbSNP rs373755380, ClinGen allele CA372964895.
Genomic context (GRCh38, chr9:14,776,002, plus strand): 5'-GGTGAAATTGTGTTGAAGTAGCCCTGTCCCCCACAGGTAGAGCTGGCCATGCTGGGGGAG[C>G]TGAACCAAGAGGAAGGTGAGGTTCTCCGCAGGTGTATCAGGGTCGGTCAGCTGAAGGAGG-3'
Protein context (NP_001366010.1, residues 1538-1558): PAENLTFLLV[Gln1548His]LPQHGQLYLW